The following is an entry in ClinVar:

NM_001035.3(RYR2):c.2609G>T (p.Ser870Ile)

Gene: RYR2 (ryanodine receptor 2; plus strand). Cytogenetic location: 1q43.
Variant type: single nucleotide variant.
Coding change: c.2609G>T on transcript NM_001035.3 (MANE Select); coding-DNA position 2609, G replaced by T.
Protein change: p.Ser870Ile; replaces serine 870 with isoleucine.
Molecular consequence: missense variant.
Genome position (GRCh38, 1-based): chr1:237,503,501, G>T. VCF-style: chr1-237503501-G-T. GRCh37 (hg19) VCF-style: chr1-237666801-G-T.
Other names: short protein forms S870I.
Identifiers: ClinVar variation 3709995 (VCV003709995.2).

ClinVar aggregate classification (germline): Uncertain significance (1 of 4 stars; one submission).

Conditions:
Catecholaminergic polymorphic ventricular tachycardia 1. Also called: VENTRICULAR TACHYCARDIA, STRESS-INDUCED POLYMORPHIC 1; VENTRICULAR TACHYCARDIA, CATECHOLAMINERGIC POLYMORPHIC, 1, WITH OR WITHOUT ATRIAL DYSFUNCTION AND/OR DILATED CARDIOMYOPATHY; RYR2-Related Catecholaminergic Polymorphic Ventricular Tachycardia. Identifiers: Orphanet 3286, MedGen C1631597, MONDO:0011484, OMIM 604772.

gnomAD v4.1: 9 of 1,613,166 alleles (0.00056%); highest among the groups gnomAD compares: Non-Finnish European, 0.00076%; no homozygotes.

Submission:

Labcorp Genetics (formerly Invitae), Labcorp
Classification: Uncertain significance for Catecholaminergic polymorphic ventricular tachycardia 1. Last evaluated: 2024-05-02. Review status: criteria provided, single submitter. Criteria: Invitae Variant Classification Sherloc (09022015). Collection method: clinical testing. Allele origin: germline.
Comment: This sequence change replaces serine, which is neutral and polar, with isoleucine, which is neutral and non-polar, at codon 870 of the RYR2 protein (p.Ser870Ile). This variant is not present in population databases (gnomAD no frequency). This variant has not been reported in the literature in individuals affected with RYR2-related conditions. Advanced modeling of protein sequence and biophysical properties (such as structural, functional, and spatial information, amino acid conservation, physicochemical variation, residue mobility, and thermodynamic stability) performed at Invitae indicates that this missense variant is not expected to disrupt RYR2 protein function with a negative predictive value of 95%. In summary, the available evidence is currently insufficient to determine the role of this variant in disease. Therefore, it has been classified as a Variant of Uncertain Significance.